The following is an entry in ClinVar:

NM_000051.4(ATM):c.1486_1487insCA (p.Ser496fs)

Gene: ATM (ATM serine/threonine kinase; plus strand). Cytogenetic location: 11q22.3.
Variant type: Insertion.
Coding change: c.1486_1487insCA on transcript NM_000051.4 (MANE Select); coding-DNA positions 1486 to 1487, CA inserted.
Protein change: p.Ser496fs; shifts the reading frame from serine 496.
Molecular consequence: frameshift variant.
Genome position: GRCh38 VCF-style: chr11-108250950-A-AAC. GRCh37 (hg19) VCF-style: chr11-108121677-A-AAC.
Other names: c.1486_1487insCA, p.Ser496fs (NM_001351834.2); short protein forms S496fs.
Identifiers: ClinVar variation 1992729 (VCV001992729.7), dbSNP rs2497248654, ClinGen allele CA2580083780.

ClinVar aggregate classification (germline): Pathogenic. Review status: criteria provided, multiple submitters, no conflicts (2 of 4 stars). 3 submissions from 3 submitters: Pathogenic (3). Last evaluated 2023-02-17.

Conditions:
Ataxia-telangiectasia syndrome (AT). Also called: Ataxia telangiectasia (A-T); Cerebello-oculocutaneous telangiectasia; Immunodeficiency with ataxia telangiectasia; Ataxia-telangiectasia, complementation group D; Ataxia-telangiectasia, complementation group E; LOUIS-BAR SYNDROME. Identifiers: Orphanet 100, MedGen C0004135, MONDO:0008840, OMIM 208900.
Familial cancer of breast. Also called: BREAST CANCER, FAMILIAL; hereditary breast carcinoma; Hereditary breast cancer. Identifiers: Orphanet 227535, MedGen C0346153, MONDO:0016419, OMIM 114480. Disease mechanism: loss of function.
Hereditary cancer-predisposing syndrome. Also called: Hereditary Cancer Syndrome; Neoplastic Syndromes, Hereditary; Hereditary neoplastic syndrome; Tumor predisposition. Identifiers: Orphanet 140162, MedGen C0027672, MeSH D009386, MONDO:0015356.

Submissions (3):

Color Diagnostics, LLC DBA Color Health
Classification: Pathogenic for Hereditary cancer-predisposing syndrome. Last evaluated: 2023-02-17. Review status: criteria provided, single submitter. Criteria: ACMG Guidelines, 2015. Collection method: clinical testing. Allele origin: germline.
Comment: This variant inserts 2 nucleotides in exon 10 of the ATM gene, creating a frameshift and premature translation stop signal. This variant is expected to result in an absent or non-functional protein product. To our knowledge, this variant has not been reported in individuals affected with ATM-related disorders in the literature. This variant has not been identified in the general population by the Genome Aggregation Database (gnomAD). Loss of ATM function is a known mechanism of disease. Based on the available evidence, this variant is classified as Pathogenic.

Myriad Genetics, Inc.
Classification: Pathogenic for Familial cancer of breast. Last evaluated: 2023-01-09. Review status: criteria provided, single submitter. Criteria: Myriad Autosomal Dominant, Autosomal Recessive and X-Linked Classification Criteria (2023). Collection method: clinical testing. Allele origin: unknown.
Comment: This variant is considered pathogenic. This variant creates a frameshift predicted to result in premature protein truncation.

Labcorp Genetics (formerly Invitae), Labcorp
Classification: Pathogenic for Ataxia-telangiectasia syndrome. Last evaluated: 2022-05-10. Review status: criteria provided, single submitter. Criteria: Invitae Variant Classification Sherloc (09022015). Collection method: clinical testing. Allele origin: germline.
Comment: For these reasons, this variant has been classified as Pathogenic. This variant has not been reported in the literature in individuals affected with ATM-related conditions. This variant is not present in population databases (gnomAD no frequency). This sequence change creates a premature translational stop signal (p.Ser496Thrfs*17) in the ATM gene. It is expected to result in an absent or disrupted protein product. Loss-of-function variants in ATM are known to be pathogenic (PMID: 23807571, 25614872).

Literature cited by the submitters: PubMed 23807571 (cited by Labcorp Genetics (formerly Invitae), Labcorp); PubMed 25614872 (cited by Labcorp Genetics (formerly Invitae), Labcorp).